The following is an entry in ClinVar:

ClinVar aggregate classification (germline): Uncertain significance (1 of 4 stars; one submission).

Submission:

Labcorp Genetics (formerly Invitae), Labcorp
Classification: Uncertain significance. Last evaluated: 2025-07-09. Review status: criteria provided, single submitter. Criteria: Invitae Variant Classification Sherloc (09022015). Collection method: clinical testing. Allele origin: germline.
Comment: This sequence change replaces lysine, which is basic and polar, with glutamine, which is neutral and polar, at codon 214 of the PHF21A protein (p.Lys214Gln). This variant is not present in population databases (gnomAD no frequency). This variant has not been reported in the literature in individuals affected with PHF21A-related conditions. Invitae Evidence Modeling of protein sequence and biophysical properties (such as structural, functional, and spatial information, amino acid conservation, physicochemical variation, residue mobility, and thermodynamic stability) indicates that this missense variant is not expected to disrupt PHF21A protein function with a negative predictive value of 80%. In summary, the available evidence is currently insufficient to determine the role of this variant in disease. Therefore, it has been classified as a Variant of Uncertain Significance.

NM_001352027.3(PHF21A):c.643A>C (p.Lys215Gln)

Gene: PHF21A (PHD finger protein 21A; minus strand). Cytogenetic location: 11p11.2.
Variant type: single nucleotide variant.
Coding change: c.643A>C on transcript NM_001352027.3 (MANE Select); coding-DNA position 643, A replaced by C.
Protein change: p.Lys215Gln; replaces lysine 215 with glutamine.
Molecular consequence: missense variant. On other transcripts: non-coding transcript variant (2).
Genome position (GRCh38, 1-based): chr11:45,969,874, T>G on the plus strand (A>C on the coding strand, the complement: PHF21A is on the minus strand). VCF-style: chr11-45969874-T-G. GRCh37 (hg19) VCF-style: chr11-45991425-T-G.
Other names: c.640A>C, p.Lys214Gln (NM_001101802.3, NM_001352030.3, NM_001352031.3 and 2 more transcripts); c.643A>C, p.Lys215Gln (NM_001352025.3, NM_001352026.3, NM_001352028.1 and 3 more transcripts); c.664A>C, p.Lys222Gln (NM_001441167.1, NM_001441168.1); c.661A>C, p.Lys221Gln (NM_001441169.1); c.391A>C, p.Lys131Gln (NM_001441172.1); short protein forms K131Q, K214Q, K215Q, K221Q, K222Q.
Identifiers: ClinVar variation 4809203 (VCV004809203.1).
Genomic context (GRCh38, chr11:45,969,874, plus strand): 5'-CCTGTGGAAGAAAGTTTGGACGTGGAGTGAGTCTAGGAGGGGGGATAAACTGTGGTACTT[T>G]GATGGGCTGAGGAGGTGTTGCCTGAACCTGCTAAAAAATGAGGAAGATAAATAAACCAGA-3'
Protein context (NP_001338956.1, residues 205-225): QVQATPPQPI[Lys215Gln]VPQFIPPPRL